The following is an entry in ClinVar:

NM_001035.3(RYR2):c.9223C>A (p.Leu3075Ile)

Gene: RYR2 (ryanodine receptor 2; plus strand). Cytogenetic location: 1q43.
Variant type: single nucleotide variant.
Coding change: c.9223C>A on transcript NM_001035.3 (MANE Select); coding-DNA position 9223, C replaced by A.
Protein change: p.Leu3075Ile; replaces leucine 3075 with isoleucine.
Molecular consequence: missense variant.
Genome position (GRCh38, 1-based): chr1:237,700,323, C>A. VCF-style: chr1-237700323-C-A. GRCh37 (hg19) VCF-style: chr1-237863623-C-A.
Other names: short protein forms L3075I.
Identifiers: ClinVar variation 1009415 (VCV001009415.10), dbSNP rs1243072954, ClinGen allele CA345405737.

ClinVar aggregate classification (germline): Uncertain significance (1 of 4 stars; one submission).

Conditions:
Catecholaminergic polymorphic ventricular tachycardia 1. Also called: VENTRICULAR TACHYCARDIA, STRESS-INDUCED POLYMORPHIC 1; VENTRICULAR TACHYCARDIA, CATECHOLAMINERGIC POLYMORPHIC, 1, WITH OR WITHOUT ATRIAL DYSFUNCTION AND/OR DILATED CARDIOMYOPATHY; RYR2-Related Catecholaminergic Polymorphic Ventricular Tachycardia. Identifiers: Orphanet 3286, MedGen C1631597, MONDO:0011484, OMIM 604772.

Allele frequency attached by ClinVar (database versions not stated): TOPMed below 0.00001.

Submission:

Labcorp Genetics (formerly Invitae), Labcorp
Classification: Uncertain significance for Catecholaminergic polymorphic ventricular tachycardia 1. Last evaluated: 2024-12-17. Review status: criteria provided, single submitter. Criteria: Invitae Variant Classification Sherloc (09022015). Collection method: clinical testing. Allele origin: germline.
Comment: This sequence change replaces leucine, which is neutral and non-polar, with isoleucine, which is neutral and non-polar, at codon 3075 of the RYR2 protein (p.Leu3075Ile). This variant is present in population databases (no rsID available, gnomAD 0.007%). This variant has not been reported in the literature in individuals affected with RYR2-related conditions. ClinVar contains an entry for this variant (Variation ID: 1009415). Invitae Evidence Modeling of protein sequence and biophysical properties (such as structural, functional, and spatial information, amino acid conservation, physicochemical variation, residue mobility, and thermodynamic stability) indicates that this missense variant is expected to disrupt RYR2 protein function with a positive predictive value of 95%. In summary, the available evidence is currently insufficient to determine the role of this variant in disease. Therefore, it has been classified as a Variant of Uncertain Significance.